The following is an entry in ClinVar:

ClinVar aggregate classification (germline): Likely benign (1 of 4 stars; one submission).

Conditions:
Alport syndrome. Also called: Hemorrhagic familial nephritis; Hemorrhagic hereditary nephritis; Congenital hereditary hematuria. Identifiers: Orphanet 63, MedGen C1567741, MONDO:0018965.

Allele frequency attached by ClinVar (database versions not stated): 1000 Genomes Project 30x 0.00297; 1000 Genomes Project 0.00319; TOPMed 0.00568; gnomAD 0.00809 and 0.00854; gnomAD exomes 0.02273.
gnomAD v4.1: 1,243 of 152,544 alleles (0.81%); highest among the groups gnomAD compares: Non-Finnish European, 0.99%; 11 homozygotes.

Submission:

Illumina Laboratory Services, Illumina
Classification: Likely benign for Alport syndrome. Last evaluated: 2018-01-12. Review status: criteria provided, single submitter. Criteria: ICSL Variant Classification Criteria 13 December 2019. Collection method: clinical testing. Allele origin: germline.
Comment: This variant was observed in the ICSL laboratory as part of a predisposition screen in an ostensibly healthy population. It had not been previously curated by ICSL or reported in the Human Gene Mutation Database (HGMD: prior to June 1st, 2018), and was therefore a candidate for classification through an automated scoring system. Utilizing variant allele frequency, disease prevalence and penetrance estimates, and inheritance mode, an automated score was calculated to assess if this variant is too frequent to cause the disease. Based on the score and internal cut-off values, a variant classified as likely benign is not then subjected to further curation. The score for this variant resulted in a classification of likely benign for this disease.

NM_000092.5(COL4A4):c.*841G>A

Gene: COL4A4 (collagen type IV alpha 4 chain; minus strand). Cytogenetic location: 2q36.3.
Variant type: single nucleotide variant.
Coding change: c.*841G>A on transcript NM_000092.5 (MANE Select); 841 bases downstream of the stop codon, G replaced by A.
Molecular consequence: 3 prime UTR variant.
Genome position (GRCh38, 1-based): chr2:227,006,484, C>T on the plus strand (G>A on the coding strand, the complement: COL4A4 is on the minus strand). VCF-style: chr2-227006484-C-T. GRCh37 (hg19) VCF-style: chr2-227871200-C-T.
Identifiers: ClinVar variation 334686 (VCV000334686.5), dbSNP rs11556632, ClinGen allele CA10614593.